The following is an entry in ClinVar:

ClinVar aggregate classification (germline): Uncertain significance (1 of 4 stars; one submission).

Submission:

Labcorp Genetics (formerly Invitae), Labcorp
Classification: Uncertain significance. Last evaluated: 2023-11-19. Review status: criteria provided, single submitter. Criteria: Invitae Variant Classification Sherloc (09022015). Collection method: clinical testing. Allele origin: germline.
Comment: This sequence change creates a premature translational stop signal (p.Phe231Leufs*8) in the SLC25A4 gene. While this is not anticipated to result in nonsense mediated decay, it is expected to disrupt the last 68 amino acid(s) of the SLC25A4 protein. This variant is not present in population databases (gnomAD no frequency). This variant has not been reported in the literature in individuals affected with SLC25A4-related conditions. This variant disrupts a region of the SLC25A4 protein in which other variant(s) (p.Arg236Pro) have been observed in individuals with SLC25A4-related conditions (PMID: 25732997). This suggests that this is a clinically significant region of the protein, and that variants that disrupt it are likely to be disease-causing. In summary, the available evidence is currently insufficient to determine the role of this variant in disease. Therefore, it has been classified as a Variant of Uncertain Significance.

Literature cited by the submitters: PubMed 25732997.

NM_001151.4(SLC25A4):c.690del (p.Phe231fs)

Gene: SLC25A4 (solute carrier family 25 member 4; plus strand). Cytogenetic location: 4q35.1.
Variant type: Deletion.
Coding change: c.690del on transcript NM_001151.4 (MANE Select); coding-DNA position 690, one base deleted (C; older notation c.690delC).
Protein change: p.Phe231fs; shifts the reading frame from phenylalanine 231.
Molecular consequence: frameshift variant.
Genome position (GRCh38, 1-based): chr4:185,145,850, C deleted; the last of 4 consecutive C bases (chr4:185,145,847-185,145,850); deleting any one gives the same sequence. VCF-style (leftmost placement, unchanged base first): chr4-185145846-AC-A. GRCh37 (hg19) VCF-style: chr4-186067000-AC-A.
Other names: short protein forms F231fs.
Identifiers: ClinVar variation 2726552 (VCV002726552.3), dbSNP rs916066148, ClinGen allele CA112006961.